The following is an entry in ClinVar:

NM_000719.7(CACNA1C):c.3002G>A (p.Arg1001Gln)

Gene: CACNA1C (calcium voltage-gated channel subunit alpha1 C; plus strand). Cytogenetic location: 12p13.33.
Variant type: single nucleotide variant.
Coding change: c.3002G>A on transcript NM_000719.7 (MANE Select); coding-DNA position 3002, G replaced by A.
Protein change: p.Arg1001Gln; replaces arginine 1001 with glutamine.
Molecular consequence: missense variant.
Genome position (GRCh38, 1-based): chr12:2,605,122, G>A. VCF-style: chr12-2605122-G-A. GRCh37 (hg19) VCF-style: chr12-2714288-G-A.
Other names: c.3062G>A, p.Arg1021Gln (NM_001129827.2, NM_001129832.2, NM_199460.4); c.3002G>A, p.Arg1001Gln (NM_001129829.2, NM_001129830.3, NM_001129831.2 and 15 more transcripts); c.2993G>A, p.Arg998Gln (NM_001129844.2); short protein forms R1021Q, R1001Q, R998Q.
Identifiers: ClinVar variation 1384928 (VCV001384928.6), dbSNP rs1353433133, ClinGen allele CA383373703.

ClinVar aggregate classification (germline): Uncertain significance (1 of 4 stars; one submission).

Conditions:
Long QT syndrome (LQTS). Identifiers: MedGen C0023976, MeSH D008133, MONDO:0002442. Disease mechanism: loss of function. Inheritance: Various modes of inheritance.

Allele frequency attached by ClinVar (database versions not stated): gnomAD exomes below 0.00001; TOPMed 0.00002.
gnomAD v4.1: 1 of 1,613,836 alleles (0.000062%); highest among the groups gnomAD compares: Non-Finnish European, 0.000085%; no homozygotes.

Submission:

Labcorp Genetics (formerly Invitae), Labcorp
Classification: Uncertain significance for Long QT syndrome. Last evaluated: 2021-11-24. Review status: criteria provided, single submitter. Criteria: Invitae Variant Classification Sherloc (09022015). Collection method: clinical testing. Allele origin: germline.
Comment: In summary, the available evidence is currently insufficient to determine the role of this variant in disease. Therefore, it has been classified as a Variant of Uncertain Significance. Algorithms developed to predict the effect of missense changes on protein structure and function are either unavailable or do not agree on the potential impact of this missense change (SIFT: "Deleterious"; PolyPhen-2: "Probably Damaging"; Align-GVGD: "Class C0"). This variant has not been reported in the literature in individuals affected with CACNA1C-related conditions. This variant is not present in population databases (gnomAD no frequency). This sequence change replaces arginine, which is basic and polar, with glutamine, which is neutral and polar, at codon 1001 of the CACNA1C protein (p.Arg1001Gln).